The following is an entry in ClinVar:

NM_001289125.3(IFNAR2):c.720A>C (p.Glu240Asp)

Genes: IFNAR2 (interferon alpha and beta receptor subunit 2; plus strand), IFNAR2-IL10RB (IFNAR2-IL10RB readthrough; plus strand). Cytogenetic location: 21q22.11.
Variant type: single nucleotide variant.
Coding change: c.720A>C on transcript NM_001289125.3 (MANE Select); coding-DNA position 720, A replaced by C.
Protein change: p.Glu240Asp; replaces glutamic acid 240 with aspartic acid.
Molecular consequence: missense variant. On other transcripts: intron variant (4).
Genome position (GRCh38, 1-based): chr21:33,260,607, A>C. VCF-style: chr21-33260607-A-C. GRCh37 (hg19) VCF-style: chr21-34632912-A-C.
Other names: c.720A>C, p.Glu240Asp (NM_000874.5, NM_001385055.1, NM_207584.3 and 1 more transcripts); c.709+7777A>C (NM_001414505.1); c.710-2186A>C (NM_001289128.2, NM_001289126.2); c.710-1954A>C (NM_001385054.1); short protein forms E240D.
Identifiers: ClinVar variation 4728505 (VCV004728505.1).

ClinVar aggregate classification (germline): Uncertain significance (1 of 4 stars; one submission).

Submission:

Labcorp Genetics (formerly Invitae), Labcorp
Classification: Uncertain significance. Last evaluated: 2025-10-11. Review status: criteria provided, single submitter. Criteria: Invitae Variant Classification Sherloc (09022015). Collection method: clinical testing. Allele origin: germline.
Comment: This sequence change replaces glutamic acid, which is acidic and polar, with aspartic acid, which is acidic and polar, at codon 240 of the IFNAR2 protein (p.Glu240Asp). This variant is not present in population databases (gnomAD no frequency). This variant has not been reported in the literature in individuals affected with IFNAR2-related conditions. An algorithm developed to predict the effect of missense changes on protein structure and function outputs the following: PolyPhen-2: "Possibly Damaging". The aspartic acid amino acid residue is found in multiple mammalian species, which suggests that this missense change does not adversely affect protein function. In summary, the available evidence is currently insufficient to determine the role of this variant in disease. Therefore, it has been classified as a Variant of Uncertain Significance.